The following is an entry in ClinVar:

ClinVar aggregate classification (germline): Pathogenic (0 of 4 stars; one submission).

Conditions:
Ornithine carbamoyltransferase deficiency (OTCD). Also called: OTC DEFICIENCY; ORNITHINE TRANSCARBAMYLASE DEFICIENCY; ORNITHINE TRANSCARBAMYLASE DEFICIENCY, HYPERAMMONEMIA DUE TO; Ornithine Carbamoyltransferase Deficiency Disease. Identifiers: Orphanet 664, MedGen C0268542, MONDO:0010703, OMIM 311250.

Submission:

Molecular Genetics laboratory, Necker Hospital
Classification: Pathogenic for Ornithine carbamoyltransferase deficiency. Review status: no assertion criteria provided. Collection method: clinical testing. Allele origin: maternal. Affected: yes.
Comment: 2 boys with an adult form

NM_000531.6(OTC):c.116G>C (p.Gly39Ala)

Gene: OTC (ornithine transcarbamylase; plus strand). Cytogenetic location: Xp11.4.
Variant type: single nucleotide variant.
Coding change: c.116G>C on transcript NM_000531.6 (MANE Select); coding-DNA position 116, G replaced by C.
Protein change: p.Gly39Ala; replaces glycine 39 with alanine.
Molecular consequence: missense variant.
Genome position (GRCh38, 1-based): chrX:38,367,329, G>C. VCF-style: chrX-38367329-G-C. GRCh37 (hg19) VCF-style: chrX-38226582-G-C.
Other names: short protein forms G39A.
Identifiers: ClinVar variation 915469 (VCV000915469.2), dbSNP rs1602014500, ClinGen allele CA412715920.